The following is an entry in ClinVar:

NM_004586.3(RPS6KA3):c.846-6A>G

Gene: RPS6KA3 (ribosomal protein S6 kinase A3; minus strand). Cytogenetic location: Xp22.12.
Variant type: single nucleotide variant.
Coding change: c.846-6A>G on transcript NM_004586.3 (MANE Select); 6 bases into the intron before coding-DNA position 846, A replaced by G.
Molecular consequence: intron variant.
Genome position (GRCh38, 1-based): chrX:20,177,090, T>C on the plus strand (A>G on the coding strand, the complement: RPS6KA3 is on the minus strand). VCF-style: chrX-20177090-T-C. GRCh37 (hg19) VCF-style: chrX-20195208-T-C.
Identifiers: ClinVar variation 735156 (VCV000735156.10), dbSNP rs375177835, ClinGen allele CA10366205.

ClinVar aggregate classification (germline): Benign. Review status: criteria provided, single submitter (1 of 4 stars). 2 submissions from 2 submitters: Benign (1). 1 of the submissions does not count toward it. Last evaluated 2025-12-22.

Conditions:
RPS6KA3-related disorder. Also called: RPS6KA3-related condition.
Coffin-Lowry syndrome (CLS). Also called: COFFIN-LOWRY SYNDROME, MILD; Mental retardation with osteocartilaginous abnormalities. Identifiers: Orphanet 192, MedGen C0265252, MONDO:0010561, OMIM 303600.
Intellectual developmental disorder, X-linked 19. Also called: Intellectual disability, X-linked 19. Identifiers: Orphanet 777, MedGen C0796225, MONDO:0010447, OMIM 300844.

Allele frequency attached by ClinVar (database versions not stated): gnomAD exomes 0.00007 and 0.00005; TOPMed 0.00011; gnomAD 0.00002 and 0.00004; ExAC 0.00005; ESP Exome Variant Server 0.00009.
gnomAD v4.1: 51 of 1,146,908 alleles (0.0044%); highest among the groups gnomAD compares: Non-Finnish European, 0.0056%; no homozygotes.

Submissions (2):

Labcorp Genetics (formerly Invitae), Labcorp
Classification: Benign for Coffin-Lowry syndrome; Intellectual developmental disorder, X-linked 19. Last evaluated: 2025-12-22. Review status: criteria provided, single submitter. Criteria: Invitae Variant Classification Sherloc (09022015). Collection method: clinical testing. Allele origin: germline.

PreventionGenetics, part of Exact Sciences
Classification: Likely benign for RPS6KA3-related condition. Last evaluated: 2021-10-25. Review status: no assertion criteria provided. Collection method: clinical testing. Allele origin: germline. Not counted in ClinVar's aggregate classification.
Comment: This variant is classified as likely benign based on ACMG/AMP sequence variant interpretation guidelines (Richards et al. 2015 PMID: 25741868, with internal and published modifications).